The following is an entry in ClinVar:

NM_016343.4(CENPF):c.7781A>C (p.Glu2594Ala)

Gene: CENPF (centromere protein F; plus strand). Cytogenetic location: 1q41.
Variant type: single nucleotide variant.
Coding change: c.7781A>C on transcript NM_016343.4 (MANE Select); coding-DNA position 7781, A replaced by C.
Protein change: p.Glu2594Ala; replaces glutamic acid 2594 with alanine.
Molecular consequence: missense variant.
Genome position (GRCh38, 1-based): chr1:214,647,351, A>C. VCF-style: chr1-214647351-A-C. GRCh37 (hg19) VCF-style: chr1-214820694-A-C.
Other names: short protein forms E2594A.
Identifiers: ClinVar variation 4000434 (VCV004000434.2).

ClinVar aggregate classification (germline): Uncertain significance. Review status: criteria provided, multiple submitters, no conflicts (2 of 4 stars). 2 submissions from 2 submitters: Uncertain significance (2). Last evaluated 2025-04-10.

Conditions:
CENPF-related disorder. Also called: CENPF-related condition.
Inborn genetic diseases. Identifiers: MedGen C0950123, MeSH D030342.

gnomAD v4.1: 1 of 1,612,804 alleles (0.000062%); highest among the groups gnomAD compares: Non-Finnish European, 0.000085%; no homozygotes.

Submissions (2):

Ambry Genetics
Classification: Uncertain significance for Inborn genetic diseases. Last evaluated: 2025-04-10. Review status: criteria provided, single submitter. Criteria: Ambry Variant Classification Scheme 2023. Collection method: clinical testing. Allele origin: germline.

PreventionGenetics, part of Exact Sciences
Classification: Uncertain significance for CENPF-related condition. Last evaluated: 2024-10-17. Review status: criteria provided, single submitter. Criteria: ACMG Guidelines, 2015. Collection method: clinical testing. Allele origin: germline.
Comment: The CENPF c.7781A>C variant is predicted to result in the amino acid substitution p.Glu2594Ala. To our knowledge, this variant has not been reported in the literature or in a large population database (gnomAD), indicating this variant is rare. At this time, the clinical significance of this variant is uncertain due to the absence of conclusive functional and genetic evidence.